The following is an entry in ClinVar:

NM_000135.4(FANCA):c.899G>C (p.Gly300Ala)

Gene: FANCA (FA complementation group A; minus strand). Cytogenetic location: 16q24.3.
Variant type: single nucleotide variant.
Coding change: c.899G>C on transcript NM_000135.4 (MANE Select); coding-DNA position 899, G replaced by C.
Protein change: p.Gly300Ala; replaces glycine 300 with alanine.
Molecular consequence: missense variant.
Genome position (GRCh38, 1-based): chr16:89,796,013, C>G on the plus strand (G>C on the coding strand, the complement: FANCA is on the minus strand). VCF-style: chr16-89796013-C-G. GRCh37 (hg19) VCF-style: chr16-89862421-C-G.
Other names: c.899G>C, p.Gly300Ala (NM_001286167.3); short protein forms G300A.
Identifiers: ClinVar variation 3848292 (VCV003848292.1).

ClinVar aggregate classification (germline): Uncertain significance (1 of 4 stars; one submission).

Conditions:
Inborn genetic diseases. Identifiers: MedGen C0950123, MeSH D030342.

gnomAD v4.1: 1 of 1,613,668 alleles (0.000062%); no homozygotes.

Submission:

Ambry Genetics
Classification: Uncertain significance for Inborn genetic diseases. Last evaluated: 2025-03-06. Review status: criteria provided, single submitter. Criteria: Ambry Variant Classification Scheme 2023. Collection method: clinical testing. Allele origin: germline.
Comment: The p.G300A variant (also known as c.899G>C), located in coding exon 11 of the FANCA gene, results from a G to C substitution at nucleotide position 899. The glycine at codon 300 is replaced by alanine, an amino acid with similar properties. This amino acid position is conserved. In addition, this alteration is predicted to be tolerated by in silico analysis. Based on the available evidence, the clinical significance of this variant remains unclear.